The following continues an entry in ClinVar:

NM_007047.5(BTN3A2):c.715+2T>G

Gene: BTN3A2. ClinVar aggregate classification (germline): Benign.

Submissions 70 to 105 of 129:

Dr. Peter K. Rogan Lab, Western University
No classification provided (evidence only). Condition: Thymoma. Review status: no classification provided. Collection method: in vitro. Allele origin: not applicable. Functional consequence: skipped exon. Not counted in ClinVar's aggregate classification.

Dr. Peter K. Rogan Lab, Western University
No classification provided (evidence only). Condition: Thymoma. Review status: no classification provided. Collection method: in vitro. Allele origin: not applicable. Functional consequence: skipped exon. Not counted in ClinVar's aggregate classification.

Dr. Peter K. Rogan Lab, Western University
No classification provided (evidence only). Condition: Thymoma. Review status: no classification provided. Collection method: in vitro. Allele origin: not applicable. Functional consequence: skipped exon. Not counted in ClinVar's aggregate classification.

Dr. Peter K. Rogan Lab, Western University
No classification provided (evidence only). Condition: Thymoma. Review status: no classification provided. Collection method: in vitro. Allele origin: not applicable. Functional consequence: skipped exon, retained intron. Not counted in ClinVar's aggregate classification.

Dr. Peter K. Rogan Lab, Western University
No classification provided (evidence only). Condition: Thymoma. Review status: no classification provided. Collection method: in vitro. Allele origin: not applicable. Functional consequence: skipped exon. Not counted in ClinVar's aggregate classification.

Dr. Peter K. Rogan Lab, Western University
No classification provided (evidence only). Condition: Thymoma. Review status: no classification provided. Collection method: in vitro. Allele origin: not applicable. Functional consequence: skipped exon, retained intron. Not counted in ClinVar's aggregate classification.

Dr. Peter K. Rogan Lab, Western University
No classification provided (evidence only). Condition: Cholangiocarcinoma. Review status: no classification provided. Collection method: in vitro. Allele origin: not applicable. Functional consequence: skipped exon. Not counted in ClinVar's aggregate classification.

Dr. Peter K. Rogan Lab, Western University
No classification provided (evidence only). Condition: Cholangiocarcinoma. Review status: no classification provided. Collection method: in vitro. Allele origin: not applicable. Functional consequence: skipped exon. Not counted in ClinVar's aggregate classification.

Dr. Peter K. Rogan Lab, Western University
No classification provided (evidence only). Condition: Adrenocortical carcinoma, hereditary. Review status: no classification provided. Collection method: in vitro. Allele origin: not applicable. Functional consequence: retained intron. Not counted in ClinVar's aggregate classification.

Dr. Peter K. Rogan Lab, Western University
No classification provided (evidence only). Condition: Adrenocortical carcinoma, hereditary. Review status: no classification provided. Collection method: in vitro. Allele origin: not applicable. Functional consequence: retained intron. Not counted in ClinVar's aggregate classification.

Dr. Peter K. Rogan Lab, Western University
No classification provided (evidence only). Condition: Adrenocortical carcinoma, hereditary. Review status: no classification provided. Collection method: in vitro. Allele origin: not applicable. Functional consequence: skipped exon, retained intron. Not counted in ClinVar's aggregate classification.

Dr. Peter K. Rogan Lab, Western University
No classification provided (evidence only). Condition: Adrenocortical carcinoma, hereditary. Review status: no classification provided. Collection method: in vitro. Allele origin: not applicable. Functional consequence: skipped exon, retained intron. Not counted in ClinVar's aggregate classification.

Dr. Peter K. Rogan Lab, Western University
No classification provided (evidence only). Condition: Adrenocortical carcinoma, hereditary. Review status: no classification provided. Collection method: in vitro. Allele origin: not applicable. Functional consequence: skipped exon. Not counted in ClinVar's aggregate classification.

Dr. Peter K. Rogan Lab, Western University
No classification provided (evidence only). Condition: Adrenocortical carcinoma, hereditary. Review status: no classification provided. Collection method: in vitro. Allele origin: not applicable. Functional consequence: skipped exon. Not counted in ClinVar's aggregate classification.

Dr. Peter K. Rogan Lab, Western University
No classification provided (evidence only). Condition: Uterine carcinosarcoma. Review status: no classification provided. Collection method: in vitro. Allele origin: not applicable. Functional consequence: skipped exon, retained intron. Not counted in ClinVar's aggregate classification.

Dr. Peter K. Rogan Lab, Western University
No classification provided (evidence only). Condition: Uterine carcinosarcoma. Review status: no classification provided. Collection method: in vitro. Allele origin: not applicable. Functional consequence: skipped exon, retained intron. Not counted in ClinVar's aggregate classification.

Dr. Peter K. Rogan Lab, Western University
No classification provided (evidence only). Condition: Uterine carcinosarcoma. Review status: no classification provided. Collection method: in vitro. Allele origin: not applicable. Functional consequence: skipped exon. Not counted in ClinVar's aggregate classification.

Dr. Peter K. Rogan Lab, Western University
No classification provided (evidence only). Condition: Uterine carcinosarcoma. Review status: no classification provided. Collection method: in vitro. Allele origin: not applicable. Functional consequence: skipped exon, retained intron. Not counted in ClinVar's aggregate classification.

Dr. Peter K. Rogan Lab, Western University
No classification provided (evidence only). Condition: Uterine carcinosarcoma. Review status: no classification provided. Collection method: in vitro. Allele origin: not applicable. Functional consequence: skipped exon. Not counted in ClinVar's aggregate classification.

Dr. Peter K. Rogan Lab, Western University
No classification provided (evidence only). Condition: Uterine carcinosarcoma. Review status: no classification provided. Collection method: in vitro. Allele origin: not applicable. Functional consequence: skipped exon. Not counted in ClinVar's aggregate classification.

Dr. Peter K. Rogan Lab, Western University
No classification provided (evidence only). Condition: Uveal melanoma. Review status: no classification provided. Collection method: in vitro. Allele origin: not applicable. Functional consequence: skipped exon, retained intron. Not counted in ClinVar's aggregate classification.

Dr. Peter K. Rogan Lab, Western University
No classification provided (evidence only). Condition: Uveal melanoma. Review status: no classification provided. Collection method: in vitro. Allele origin: not applicable. Functional consequence: skipped exon. Not counted in ClinVar's aggregate classification.

Dr. Peter K. Rogan Lab, Western University
No classification provided (evidence only). Condition: Uveal melanoma. Review status: no classification provided. Collection method: in vitro. Allele origin: not applicable. Functional consequence: skipped exon. Not counted in ClinVar's aggregate classification.

Dr. Peter K. Rogan Lab, Western University
No classification provided (evidence only). Condition: Uveal melanoma. Review status: no classification provided. Collection method: in vitro. Allele origin: not applicable. Functional consequence: skipped exon, retained intron. Not counted in ClinVar's aggregate classification.

Dr. Peter K. Rogan Lab, Western University
No classification provided (evidence only). Condition: Uveal melanoma. Review status: no classification provided. Collection method: in vitro. Allele origin: not applicable. Functional consequence: skipped exon, retained intron. Not counted in ClinVar's aggregate classification.

Dr. Peter K. Rogan Lab, Western University
No classification provided (evidence only). Condition: Uveal melanoma. Review status: no classification provided. Collection method: in vitro. Allele origin: not applicable. Functional consequence: skipped exon, retained intron. Not counted in ClinVar's aggregate classification.

Dr. Peter K. Rogan Lab, Western University
No classification provided (evidence only). Condition: Chronic lymphocytic leukemia/small lymphocytic lymphoma. Review status: no classification provided. Collection method: in vitro. Allele origin: not applicable. Functional consequence: skipped exon, retained intron. Not counted in ClinVar's aggregate classification.

Dr. Peter K. Rogan Lab, Western University
No classification provided (evidence only). Condition: Chronic lymphocytic leukemia/small lymphocytic lymphoma. Review status: no classification provided. Collection method: in vitro. Allele origin: not applicable. Functional consequence: skipped exon, retained intron. Not counted in ClinVar's aggregate classification.

Dr. Peter K. Rogan Lab, Western University
No classification provided (evidence only). Condition: Nonpapillary renal cell carcinoma. Review status: no classification provided. Collection method: in vitro. Allele origin: not applicable. Functional consequence: skipped exon, retained intron. Not counted in ClinVar's aggregate classification.

Dr. Peter K. Rogan Lab, Western University
No classification provided (evidence only). Condition: Nonpapillary renal cell carcinoma. Review status: no classification provided. Collection method: in vitro. Allele origin: not applicable. Functional consequence: skipped exon, retained intron. Not counted in ClinVar's aggregate classification.

Dr. Peter K. Rogan Lab, Western University
No classification provided (evidence only). Condition: Nonpapillary renal cell carcinoma. Review status: no classification provided. Collection method: in vitro. Allele origin: not applicable. Functional consequence: skipped exon, retained intron. Not counted in ClinVar's aggregate classification.

Dr. Peter K. Rogan Lab, Western University
No classification provided (evidence only). Condition: Nonpapillary renal cell carcinoma. Review status: no classification provided. Collection method: in vitro. Allele origin: not applicable. Functional consequence: skipped exon, retained intron. Not counted in ClinVar's aggregate classification.

Dr. Peter K. Rogan Lab, Western University
No classification provided (evidence only). Condition: Nonpapillary renal cell carcinoma. Review status: no classification provided. Collection method: in vitro. Allele origin: not applicable. Functional consequence: skipped exon, retained intron. Not counted in ClinVar's aggregate classification.

Dr. Peter K. Rogan Lab, Western University
No classification provided (evidence only). Condition: Familial pancreatic carcinoma. Review status: no classification provided. Collection method: in vitro. Allele origin: not applicable. Functional consequence: skipped exon, retained intron. Not counted in ClinVar's aggregate classification.

Dr. Peter K. Rogan Lab, Western University
No classification provided (evidence only). Condition: Familial pancreatic carcinoma. Review status: no classification provided. Collection method: in vitro. Allele origin: not applicable. Functional consequence: skipped exon, retained intron. Not counted in ClinVar's aggregate classification.

Dr. Peter K. Rogan Lab, Western University
No classification provided (evidence only). Condition: Familial pancreatic carcinoma. Review status: no classification provided. Collection method: in vitro. Allele origin: not applicable. Functional consequence: skipped exon, retained intron. Not counted in ClinVar's aggregate classification.